The following is an entry in ClinVar:

NM_005612.5(REST):c.1310T>A (p.Leu437Ter)

Gene: REST (RE1 silencing transcription factor; plus strand). Cytogenetic location: 4q12.
Variant type: single nucleotide variant.
Coding change: c.1310T>A on transcript NM_005612.5 (MANE Select); coding-DNA position 1310, T replaced by A.
Protein change: p.Leu437Ter; replaces leucine 437 with a stop codon.
Molecular consequence: nonsense.
Genome position (GRCh38, 1-based): chr4:56,930,168, T>A. VCF-style: chr4-56930168-T-A. GRCh37 (hg19) VCF-style: chr4-57796334-T-A.
Other names: c.1310T>A, p.Leu437Ter (NM_001193508.2, NM_001363453.3); short protein forms L437*.
Identifiers: ClinVar variation 427772 (VCV000427772.1), dbSNP rs1553904077, ClinGen allele CA357006327.

ClinVar aggregate classification (germline): Likely pathogenic. Review status: criteria provided, single submitter (1 of 4 stars). 2 submissions from 2 submitters: Likely pathogenic (1). 1 of the submissions does not count toward it. Last evaluated 2017-05-01.

Conditions:
Fibromatosis, gingival, 5. Also called: FIBROMATOSIS, GINGIVAL, HEREDITARY, 5. Identifiers: MedGen C4539942, MONDO:0033493, OMIM 617626.
Fibromatosis, gingival, 1 (GINGF1). Identifiers: Orphanet 2024, MedGen C4551558, MONDO:0007609, OMIM 135300.

Submissions (2):

Lupski Lab, Baylor-Hopkins CMG, Baylor College of Medicine
Classification: Likely pathogenic for Fibromatosis, gingival, 1. Last evaluated: 2017-05-01. Review status: criteria provided, single submitter. Criteria: Bayram et al. (Am J Hum Genet. 2017). Collection method: research. Allele origin: inherited. Inheritance: Autosomal dominant inheritance. Affected: yes.

OMIM
Classification: Pathogenic for FIBROMATOSIS, GINGIVAL, 5. Last evaluated: 2017-08-15. Review status: no assertion criteria provided. Collection method: literature only. Allele origin: germline. Not counted in ClinVar's aggregate classification.

Literature cited by the submitters: PubMed 28686854 (cited by OMIM); Pehlivan, D., Abe, S., Ozturk, S., Kayhan, K. B., Gunduz, E., Cefle, K., Bayrak, A., Ark, N., Gunduz, M., Palanduz, S. Cytogenetic analysis and examination of SOS1 gene mutation in a Turkish family with hereditary gingival fibromatosis. J. Hard Tissue Biol. 18: 131-134, 2009. (cited by OMIM).